The following is an entry in ClinVar:

ClinVar aggregate classification (germline): Uncertain significance (1 of 4 stars; one submission).

gnomAD v4.1: 1 of 1,613,038 alleles (0.000062%); highest among the groups gnomAD compares: Non-Finnish European, 0.000085%; no homozygotes.

Submission:

Labcorp Genetics (formerly Invitae), Labcorp
Classification: Uncertain significance. Last evaluated: 2025-11-27. Review status: criteria provided, single submitter. Criteria: Invitae Variant Classification Sherloc (09022015). Collection method: clinical testing. Allele origin: germline.
Comment: This sequence change replaces glutamine, which is neutral and polar, with proline, which is neutral and non-polar, at codon 147 of the ELP1 protein (p.Gln147Pro). This variant is not present in population databases (gnomAD no frequency). This variant has not been reported in the literature in individuals affected with ELP1-related conditions. Invitae Evidence Modeling of protein sequence and biophysical properties (such as structural, functional, and spatial information, amino acid conservation, physicochemical variation, residue mobility, and thermodynamic stability) indicates that this missense variant is not expected to disrupt ELP1 protein function with a negative predictive value of 80%. In summary, the available evidence is currently insufficient to determine the role of this variant in disease. Therefore, it has been classified as a Variant of Uncertain Significance.

NM_003640.5(ELP1):c.440A>C (p.Gln147Pro)

Gene: ELP1 (elongator acetyltransferase complex subunit 1; minus strand). Cytogenetic location: 9q31.3.
Variant type: single nucleotide variant.
Coding change: c.440A>C on transcript NM_003640.5 (MANE Select); coding-DNA position 440, A replaced by C.
Protein change: p.Gln147Pro; replaces glutamine 147 with proline.
Molecular consequence: missense variant. On other transcripts: 5 prime UTR variant (1).
Genome position (GRCh38, 1-based): chr9:108,926,549, T>G on the plus strand (A>C on the coding strand, the complement: ELP1 is on the minus strand). VCF-style: chr9-108926549-T-G. GRCh37 (hg19) VCF-style: chr9-111688829-T-G.
Other names: c.98A>C, p.Gln33Pro (NM_001318360.2); c.-420A>C (NM_001330749.2); short protein forms Q33P, Q147P.
Identifiers: ClinVar variation 4750039 (VCV004750039.1).